The following is an entry in ClinVar:

ClinVar aggregate classification (germline): Uncertain significance (1 of 4 stars; one submission).

Submission:

GeneDx
Classification: Uncertain significance. Last evaluated: 2026-03-12. Review status: criteria provided, single submitter. Criteria: GeneDx Variant Classification Process June 2021. Collection method: clinical testing. Allele origin: germline.
Comment: Not observed at significant frequency in large population cohorts (gnomAD); In silico analysis suggests that this missense variant does not alter protein structure/function; Has not been previously published as pathogenic or benign to our knowledge

NM_001271.4(CHD2):c.2019T>G (p.Asp673Glu)

Gene: CHD2 (chromodomain helicase DNA binding protein 2; plus strand). Cytogenetic location: 15q26.1.
Variant type: single nucleotide variant.
Coding change: c.2019T>G on transcript NM_001271.4 (MANE Select); coding-DNA position 2019, T replaced by G.
Protein change: p.Asp673Glu; replaces aspartic acid 673 with glutamic acid.
Molecular consequence: missense variant.
Genome position (GRCh38, 1-based): chr15:92,967,343, T>G. VCF-style: chr15-92967343-T-G. GRCh37 (hg19) VCF-style: chr15-93510573-T-G.
Other names: short protein forms D673E.
Identifiers: ClinVar variation 4891468 (VCV004891468.1).